The following is an entry in ClinVar:

ClinVar aggregate classification (germline): Likely benign (1 of 4 stars; one submission).

Allele frequency attached by ClinVar (database versions not stated): gnomAD exomes below 0.00001.
gnomAD v4.1: 3 of 1,607,834 alleles (0.00019%); highest among the groups gnomAD compares: Non-Finnish European, 0.000085%; no homozygotes.

Submission:

CeGaT Center for Human Genetics Tuebingen
Classification: Likely benign. Last evaluated: 2022-04-01. Review status: criteria provided, single submitter. Criteria: CeGaT Center For Human Genetics Tuebingen Variant Classification Criteria Version 2. Collection method: clinical testing. Allele origin: germline. Affected: yes. Observed: 1 variant allele.
Comment: XPO1: PM2:Supporting, BP4, BP7

NM_003400.4(XPO1):c.171T>G (p.Pro57=)

Gene: XPO1 (exportin 1; minus strand). Cytogenetic location: 2p15.
Variant type: single nucleotide variant.
Coding change: c.171T>G on transcript NM_003400.4 (MANE Select); coding-DNA position 171, T replaced by G.
Protein change: p.Pro57=; no amino-acid change (proline 57 retained).
Molecular consequence: synonymous variant.
Genome position (GRCh38, 1-based): chr2:61,526,477, A>C on the plus strand (T>G on the coding strand, the complement: XPO1 is on the minus strand). VCF-style: chr2-61526477-A-C. GRCh37 (hg19) VCF-style: chr2-61753612-A-C.
Other names: c.171T>G, p.Pro57= (NM_001410799.1).
Identifiers: ClinVar variation 2650988 (VCV002650988.24), dbSNP rs2466731849, ClinGen allele CA426209955.